The following is an entry in ClinVar:

NM_024675.4(PALB2):c.1272C>G (p.Ala424=)

Gene: PALB2 (partner and localizer of BRCA2; minus strand). Cytogenetic location: 16p12.2.
Variant type: single nucleotide variant.
Coding change: c.1272C>G on transcript NM_024675.4 (MANE Select); coding-DNA position 1272, C replaced by G.
Protein change: p.Ala424=; no amino-acid change (alanine 424 retained).
Molecular consequence: synonymous variant.
Genome position (GRCh38, 1-based): chr16:23,635,274, G>C on the plus strand (C>G on the coding strand, the complement: PALB2 is on the minus strand). VCF-style: chr16-23635274-G-C. GRCh37 (hg19) VCF-style: chr16-23646595-G-C.
Identifiers: ClinVar variation 186469 (VCV000186469.19), dbSNP rs754720030, ClinGen allele CA194914.
Genomic context (GRCh38, chr16:23,635,274, plus strand): 5'-ATTTTTATTTTTAAACCCTTTTTTCTTGACATCCAAATGACTCTGAATGACAGCCTCCAC[G>C]GCTACTTTCCTCTGGCAATTGGACATGCTTCGTGTTGTTCTAACATAATATTCTGCAGGA-3'
Protein context (NP_078951.2, residues 414-434): RSMSNCQRKV[Ala424=]VEAVIQSHLD

ClinVar aggregate classification (germline): Benign/Likely benign. Review status: criteria provided, multiple submitters, no conflicts (2 of 4 stars). 5 submissions from 5 submitters: Benign (1); Likely benign (4). Last evaluated 2025-08-31.

Conditions:
Familial cancer of breast. Also called: BREAST CANCER, FAMILIAL; Hereditary breast cancer; hereditary breast carcinoma. Identifiers: Orphanet 227535, MedGen C0346153, MONDO:0016419, OMIM 114480. Disease mechanism: loss of function.
Hereditary cancer-predisposing syndrome. Also called: Neoplastic Syndromes, Hereditary; Tumor predisposition; Hereditary Cancer Syndrome; Hereditary neoplastic syndrome. Identifiers: Orphanet 140162, MedGen C0027672, MeSH D009386, MONDO:0015356.

gnomAD v4.1: 1 of 1,613,778 alleles (0.000062%); highest among the groups gnomAD compares: African/African-American, 0.0013%; no homozygotes.

Submissions (6):

Labcorp Genetics (formerly Invitae), Labcorp
Classification: Likely benign for Familial cancer of breast. Last evaluated: 2025-08-31. Review status: criteria provided, single submitter. Criteria: Invitae Variant Classification Sherloc (09022015). Collection method: clinical testing. Allele origin: germline.

Myriad Genetics, Inc.
Classification: Benign for Familial cancer of breast. Last evaluated: 2025-01-13. Review status: criteria provided, single submitter. Criteria: Myriad Autosomal Dominant, Autosomal Recessive and X-Linked Classification Criteria (2023). Collection method: clinical testing. Allele origin: unknown.
Comment: This variant is considered benign. This variant is a silent/synonymous amino acid change and it is not expected to impact splicing.

Color Diagnostics, LLC DBA Color Health
Classification: Likely benign for Hereditary cancer-predisposing syndrome. Last evaluated: 2022-11-07. Review status: criteria provided, single submitter. Criteria: ACMG Guidelines, 2015. Collection method: clinical testing. Allele origin: germline.

GeneDx
Classification: Likely benign. Last evaluated: 2017-09-22. Review status: criteria provided, single submitter. Criteria: GeneDx Variant Classification (06012015). Collection method: clinical testing. Allele origin: germline. Affected: yes.
Comment: This variant is considered likely benign or benign based on one or more of the following criteria: it is a conservative change, it occurs at a poorly conserved position in the protein, it is predicted to be benign by multiple in silico algorithms, and/or has population frequency not consistent with disease.

Ambry Genetics
Classification: Likely benign for Hereditary cancer-predisposing syndrome. Last evaluated: 2014-10-09. Review status: criteria provided, single submitter. Criteria: Ambry Variant Classification Scheme 2023. Collection method: clinical testing. Allele origin: germline.

Dr. Peter K. Rogan Lab, Western University
No classification provided (evidence only). Condition: Malignant tumor of urinary bladder. Review status: no classification provided. Collection method: in vitro. Allele origin: not applicable. Functional consequence: retained intron. Not counted in ClinVar's aggregate classification.